The following is an entry in ClinVar:

NM_006185.4(NUMA1):c.5473G>A (p.Val1825Met)

Genes: NUMA1 (nuclear mitotic apparatus protein 1; minus strand), IL18BP (interleukin 18 binding protein; plus strand). Cytogenetic location: 11q13.4.
Variant type: single nucleotide variant.
Coding change: c.5473G>A on transcript NM_006185.4 (MANE Select); coding-DNA position 5473, G replaced by A.
Protein change: p.Val1825Met; replaces valine 1825 with methionine.
Molecular consequence: missense variant. On other transcripts: non-coding transcript variant (1).
Genome position (GRCh38, 1-based): chr11:72,006,254, C>T on the plus strand (G>A on the coding strand, the complement: NUMA1 is on the minus strand). VCF-style: chr11-72006254-C-T. GRCh37 (hg19) VCF-style: chr11-71717300-C-T.
Other names: c.5431G>A, p.Val1811Met (NM_001286561.2); short protein forms V1811M, V1825M.
Identifiers: ClinVar variation 785365 (VCV000785365.6), dbSNP rs7949430, ClinGen allele CA6166702.

ClinVar aggregate classification (germline): Benign. Review status: criteria provided, multiple submitters, no conflicts (2 of 4 stars). 3 submissions from 3 submitters: Benign (2). 1 of the submissions does not count toward it. Last evaluated 2018-07-23.

Conditions:
NUMA1-related disorder. Also called: NUMA1-related condition.

Allele frequency attached by ClinVar (database versions not stated): ESP Exome Variant Server 0.02641; TOPMed 0.02657; gnomAD exomes 0.00598; ExAC 0.00755; 1000 Genomes Project 30x 0.02577; gnomAD 0.02593 and 0.02412; 1000 Genomes Project 0.02396.
gnomAD v4.1: 7,026 of 1,613,910 alleles (0.44%); highest among the groups gnomAD compares: African/African-American, 8.2%; 304 homozygotes.

Submissions (3):

Labcorp Genetics (formerly Invitae), Labcorp
Classification: Benign. Last evaluated: 2018-07-23. Review status: criteria provided, single submitter. Criteria: Invitae Variant Classification Sherloc (09022015). Collection method: clinical testing. Allele origin: germline.

Breakthrough Genomics
Classification: Benign. Review status: criteria provided, single submitter. Criteria: ACMG Guidelines, 2015. Collection method: not provided. Allele origin: germline. Inheritance: Unknown mechanism. Affected: yes.

PreventionGenetics, part of Exact Sciences
Classification: Benign for NUMA1-related condition. Last evaluated: 2019-07-30. Review status: no assertion criteria provided. Collection method: clinical testing. Allele origin: germline. Not counted in ClinVar's aggregate classification.
Comment: This variant is classified as benign based on ACMG/AMP sequence variant interpretation guidelines (Richards et al. 2015 PMID: 25741868, with internal and published modifications).